The following is an entry in ClinVar:

NM_024642.5(GALNT12):c.371dup (p.Cys125fs)

Gene: GALNT12 (polypeptide N-acetylgalactosaminyltransferase 12; plus strand). Cytogenetic location: 9q22.33.
Variant type: Duplication.
Coding change: c.371dup on transcript NM_024642.5 (MANE Select); coding-DNA position 371, one base duplicated (T; older notation c.371dupT).
Protein change: p.Cys125fs; shifts the reading frame from cysteine 125.
Molecular consequence: frameshift variant.
Genome position (GRCh38, 1-based): chr9:98,808,069, T duplicated. VCF-style (leftmost placement, unchanged base first): chr9-98808068-C-CT. GRCh37 (hg19) VCF-style: chr9-101570350-C-CT.
Other names: short protein forms C125fs.
Identifiers: ClinVar variation 2192806 (VCV002192806.4), dbSNP rs1722154603, ClinGen allele CA1867109242.

ClinVar aggregate classification (germline): Uncertain significance (1 of 4 stars; one submission).

Submission:

Labcorp Genetics (formerly Invitae), Labcorp
Classification: Uncertain significance. Last evaluated: 2022-10-21. Review status: criteria provided, single submitter. Criteria: Invitae Variant Classification Sherloc (09022015). Collection method: clinical testing. Allele origin: germline.
Comment: In summary, the available evidence is currently insufficient to determine the role of this variant in disease. Therefore, it has been classified as a Variant of Uncertain Significance. This variant has not been reported in the literature in individuals affected with GALNT12-related conditions. This variant is not present in population databases (gnomAD no frequency). This sequence change creates a premature translational stop signal (p.Cys125Valfs*7) in the GALNT12 gene. It is expected to result in an absent or disrupted protein product. However, the current clinical and genetic evidence is not sufficient to establish whether loss-of-function variants in GALNT12 cause disease.